The following is an entry in ClinVar:

ClinVar aggregate classification (germline): Uncertain significance (1 of 4 stars; one submission).

Allele frequency attached by ClinVar (database versions not stated): gnomAD exomes 0.00002; ExAC 0.00003; gnomAD 0.00003 and 0.00004; TOPMed 0.00003; ESP Exome Variant Server 0.00008.
gnomAD v4.1: 39 of 1,613,928 alleles (0.0024%); highest among the groups gnomAD compares: Non-Finnish European, 0.0032%; no homozygotes.

Submission:

Labcorp Genetics (formerly Invitae), Labcorp
Classification: Uncertain significance. Last evaluated: 2025-11-02. Review status: criteria provided, single submitter. Criteria: Invitae Variant Classification Sherloc (09022015). Collection method: clinical testing. Allele origin: germline.
Comment: This sequence change replaces cysteine, which is neutral and slightly polar, with tyrosine, which is neutral and polar, at codon 932 of the ADGRA3 protein (p.Cys932Tyr). This variant is present in population databases (rs369017846, gnomAD 0.006%). This variant has not been reported in the literature in individuals affected with ADGRA3-related conditions. ClinVar contains an entry for this variant (Variation ID: 1010180). An algorithm developed to predict the effect of missense changes on protein structure and function (PolyPhen-2) suggests that this variant is likely to be disruptive. In summary, the available evidence is currently insufficient to determine the role of this variant in disease. Therefore, it has been classified as a Variant of Uncertain Significance.

NM_145290.4(ADGRA3):c.2795G>A (p.Cys932Tyr)

Gene: ADGRA3 (adhesion G protein-coupled receptor A3; minus strand). Cytogenetic location: 4p15.2.
Variant type: single nucleotide variant.
Coding change: c.2795G>A on transcript NM_145290.4 (MANE Select); coding-DNA position 2795, G replaced by A.
Protein change: p.Cys932Tyr; replaces cysteine 932 with tyrosine.
Molecular consequence: missense variant.
Genome position (GRCh38, 1-based): chr4:22,388,876, C>T on the plus strand (G>A on the coding strand, the complement: ADGRA3 is on the minus strand). VCF-style: chr4-22388876-C-T. GRCh37 (hg19) VCF-style: chr4-22390499-C-T.
Other names: short protein forms C932Y.
Identifiers: ClinVar variation 1010180 (VCV001010180.6), dbSNP rs369017846, ClinGen allele CA2873500.